The following is an entry in ClinVar:

NM_022095.4(ZNF335):c.2253+10G>T

Gene: ZNF335 (zinc finger protein 335; minus strand). Cytogenetic location: 20q13.12.
Variant type: single nucleotide variant.
Coding change: c.2253+10G>T on transcript NM_022095.4 (MANE Select); 10 bases into the intron after coding-DNA position 2253, G replaced by T.
Molecular consequence: intron variant.
Genome position (GRCh38, 1-based): chr20:45,959,191, C>A on the plus strand (G>T on the coding strand, the complement: ZNF335 is on the minus strand). VCF-style: chr20-45959191-C-A. GRCh37 (hg19) VCF-style: chr20-44587830-C-A.
Identifiers: ClinVar variation 130797 (VCV000130797.21), dbSNP rs6130977, ClinGen allele CA156083.
Genomic context (GRCh38, chr20:45,959,191, plus strand): 5'-ATGTGCAAATGATGCTGGGGCTGGGAGAAGCGGCCTCACTCTGTCATCCTGACCCATGCC[C>A]CGACCTTACCTCAGGAGGTCCTGGGGAACTGGGAGGTGGTCCAGGGGCCGCACTGTGCTG-3'

ClinVar aggregate classification (germline): Benign. Review status: criteria provided, multiple submitters, no conflicts (2 of 4 stars). 6 submissions from 6 submitters: Benign (4). 2 of the submissions do not count toward it. Last evaluated 2026-02-01.

Conditions:
ZNF335-related disorder. Also called: ZNF335-related condition.
Microcephalic primordial dwarfism due to ZNF335 deficiency. Also called: Primary autosomal recessive microcephaly 10. Identifiers: Orphanet 329228, MedGen C3554499, MONDO:0014043, OMIM 615095.

Allele frequency attached by ClinVar (database versions not stated): TOPMed 0.03525; 1000 Genomes Project 0.04872; 1000 Genomes Project 30x 0.04888; ESP Exome Variant Server 0.03415; gnomAD 0.03629 and 0.03571; gnomAD exomes 0.01387 and 0.02379; ExAC 0.02459.
gnomAD v4.1: 22,515 of 1,362,650 alleles (1.7%); highest among the groups gnomAD compares: African/African-American, 8.3%; 457 homozygotes.

Submissions (6):

Labcorp Genetics (formerly Invitae), Labcorp
Classification: Benign. Last evaluated: 2026-02-01. Review status: criteria provided, single submitter. Criteria: Invitae Variant Classification Sherloc (09022015). Collection method: clinical testing. Allele origin: germline.

Genome-Nilou Lab
Classification: Benign for Microcephalic primordial dwarfism due to ZNF335 deficiency. Last evaluated: 2021-12-05. Review status: criteria provided, single submitter. Criteria: ACMG Guidelines, 2015. Collection method: clinical testing. Allele origin: germline. Affected: no.

GeneDx
Classification: Benign. Last evaluated: 2018-09-22. Review status: criteria provided, single submitter. Criteria: GeneDx Variant Classification Process June 2021. Collection method: clinical testing. Allele origin: germline. Affected: yes.

Breakthrough Genomics
Classification: Benign. Review status: criteria provided, single submitter. Criteria: ACMG Guidelines, 2015. Collection method: not provided. Allele origin: germline. Inheritance: Autosomal recessive inheritance. Affected: yes.

PreventionGenetics, part of Exact Sciences
Classification: Benign for ZNF335-related condition. Last evaluated: 2020-11-10. Review status: no assertion criteria provided. Collection method: clinical testing. Allele origin: germline. Not counted in ClinVar's aggregate classification.
Comment: This variant is classified as benign based on ACMG/AMP sequence variant interpretation guidelines (Richards et al. 2015 PMID: 25741868, with internal and published modifications).

Genetic Services Laboratory, University of Chicago
Classification: Likely benign for AllHighlyPenetrant. Review status: no assertion criteria provided. Collection method: clinical testing. Allele origin: germline. Inheritance: Autosomal recessive inheritance. Not counted in ClinVar's aggregate classification.
Comment: Likely benign based on allele frequency in 1000 Genomes Project or ESP global frequency and its presence in a patient with a rare or unrelated disease phenotype. NOT Sanger confirmed.